The following is an entry in ClinVar:

ClinVar aggregate classification (germline): Uncertain significance (1 of 4 stars; one submission).

Conditions:
Hereditary motor and sensory neuropathy, Okinawa type (HMSNO). Also called: HEREDITARY MOTOR AND SENSORY NEUROPATHY, PROXIMAL TYPE. Identifiers: Orphanet 90117, MedGen C1858338, MONDO:0011468, OMIM 604484.
Hereditary spastic paraplegia 57. Also called: Spastic paraplegia 57, autosomal recessive. Identifiers: Orphanet 431329, MedGen C3714897, MONDO:0014295, OMIM 615658.

Submission:

Labcorp Genetics (formerly Invitae), Labcorp
Classification: Uncertain significance for Hereditary motor and sensory neuropathy, Okinawa type; Hereditary spastic paraplegia 57. Last evaluated: 2019-10-19. Review status: criteria provided, single submitter. Criteria: Invitae Variant Classification Sherloc (09022015). Collection method: clinical testing. Allele origin: germline.
Comment: In summary, the available evidence is currently insufficient to determine the role of this variant in disease. Therefore, it has been classified as a Variant of Uncertain Significance. Algorithms developed to predict the effect of missense changes on protein structure and function (SIFT, PolyPhen-2, Align-GVGD) all suggest that this variant is likely to be disruptive, but these predictions have not been confirmed by published functional studies and their clinical significance is uncertain. This variant has not been reported in the literature in individuals with TFG-related conditions. This variant is not present in population databases (ExAC no frequency). This sequence change replaces tyrosine with histidine at codon 33 of the TFG protein (p.Tyr33His). The tyrosine residue is highly conserved and there is a moderate physicochemical difference between tyrosine and histidine.

NM_006070.6(TFG):c.97T>C (p.Tyr33His)

Gene: TFG (trafficking from ER to golgi regulator; plus strand). Cytogenetic location: 3q12.2.
Variant type: single nucleotide variant.
Coding change: c.97T>C on transcript NM_006070.6 (MANE Select); coding-DNA position 97, T replaced by C.
Protein change: p.Tyr33His; replaces tyrosine 33 with histidine.
Molecular consequence: missense variant.
Genome position (GRCh38, 1-based): chr3:100,713,782, T>C. VCF-style: chr3-100713782-T-C. GRCh37 (hg19) VCF-style: chr3-100432626-T-C.
Other names: c.97T>C, p.Tyr33His (NM_001007565.2, NM_001195478.2, NM_001195479.2); short protein forms Y33H.
Identifiers: ClinVar variation 941987 (VCV000941987.9), dbSNP rs2095037556, ClinGen allele CA353836950.